The following is an entry in ClinVar:

NM_024079.5(ALG8):c.103A>G (p.Thr35Ala)

Gene: ALG8 (ALG8 alpha-1,3-glucosyltransferase; minus strand). Cytogenetic location: 11q14.1.
Variant type: single nucleotide variant.
Coding change: c.103A>G on transcript NM_024079.5 (MANE Select); coding-DNA position 103, A replaced by G.
Protein change: p.Thr35Ala; replaces threonine 35 with alanine.
Molecular consequence: missense variant.
Genome position (GRCh38, 1-based): chr11:78,127,429, T>C on the plus strand (A>G on the coding strand, the complement: ALG8 is on the minus strand). VCF-style: chr11-78127429-T-C. GRCh37 (hg19) VCF-style: chr11-77838475-T-C.
Other names: c.103A>G, p.Thr35Ala (NM_001007027.3, NM_001425220.1, NM_001425221.1 and 14 more transcripts); c.106A>G, p.Thr36Ala (NM_001425219.1); c.-162A>G (NM_001425234.1, NM_001425239.1); c.-410A>G (NM_001425241.1); c.-448A>G (NM_001425242.1); short protein forms T35A, T36A.
Identifiers: ClinVar variation 2863445 (VCV002863445.3), dbSNP rs2497146037, ClinGen allele CA382100035.

ClinVar aggregate classification (germline): Uncertain significance (1 of 4 stars; one submission).

Conditions:
ALG8 congenital disorder of glycosylation. Also called: CONGENITAL DISORDER OF GLYCOSYLATION, TYPE Ih; CDG Ih; ALG8-CDG. Identifiers: Orphanet 79325, MedGen C2931002, MONDO:0011969, OMIM 608104.

Submission:

Labcorp Genetics (formerly Invitae), Labcorp
Classification: Uncertain significance for ALG8 congenital disorder of glycosylation. Last evaluated: 2025-06-12. Review status: criteria provided, single submitter. Criteria: Invitae Variant Classification Sherloc (09022015). Collection method: clinical testing. Allele origin: germline.
Comment: This sequence change replaces threonine, which is neutral and polar, with alanine, which is neutral and non-polar, at codon 35 of the ALG8 protein (p.Thr35Ala). This variant is not present in population databases (gnomAD no frequency). This variant has not been reported in the literature in individuals affected with ALG8-related conditions. ClinVar contains an entry for this variant (Variation ID: 2863445). Invitae Evidence Modeling of protein sequence and biophysical properties (such as structural, functional, and spatial information, amino acid conservation, physicochemical variation, residue mobility, and thermodynamic stability) indicates that this missense variant is expected to disrupt ALG8 protein function with a positive predictive value of 80%. In summary, the available evidence is currently insufficient to determine the role of this variant in disease. Therefore, it has been classified as a Variant of Uncertain Significance.